The following is an entry in ClinVar:

ClinVar aggregate classification (germline): Likely pathogenic (1 of 4 stars; one submission).

Conditions:
LRFN1.

Submission:

Foundation for Research in Genetics and Endocrinology, FRIGE's Institute of Human Genetics
Classification: Likely pathogenic for LRFN1. Last evaluated: 2021-04-20. Review status: criteria provided, single submitter. Criteria: ACMG Guidelines, 2015. Collection method: research. Allele origin: de novo. Inheritance: Autosomal dominant inheritance. Affected: yes. Observed: 1 heterozygote.
Comment: A heterozygous missense variation in exon 1 of the LRFN1 gene that results in the amino acid substitution of Alanine for Valine at codon 59 was detected. The observed variant c.176T>C (p.Val59Ala) has not been reported in the 1000 genomes and gnomAD databases. The in silico prediction of the variant is damaging by DANN, SIFT and MutationTaster2. The reference codon is conserved across species. Segregation analysis showed the variant to be de novo in origin. In summary, the variant meets our criteria to be classified as a likely pathogenic variant according to the ACMG-AMP classification system and ClinGen framework.

NM_020862.2(LRFN1):c.176T>C (p.Val59Ala)

Gene: LRFN1 (leucine rich repeat and fibronectin type III domain containing 1; minus strand). Cytogenetic location: 19q13.2.
Variant type: single nucleotide variant.
Coding change: c.176T>C on transcript NM_020862.2 (MANE Select); coding-DNA position 176, T replaced by C.
Protein change: p.Val59Ala; replaces valine 59 with alanine.
Molecular consequence: missense variant.
Genome position (GRCh38, 1-based): chr19:39,315,161, A>G on the plus strand (T>C on the coding strand, the complement: LRFN1 is on the minus strand). VCF-style: chr19-39315161-A-G. GRCh37 (hg19) VCF-style: chr19-39805801-A-G.
Other names: p.Val59Ala; short protein forms V59A.
Identifiers: ClinVar variation 1298348 (VCV001298348.3), dbSNP rs2145036791, ClinGen allele CA405758478.
Genomic context (GRCh38, chr19:39,315,161, plus strand): 5'-GCGGCGATGAAGTTGTCGGTGAGCCGCAGCTCCACCACGCGCCGGTCGATGGCGGGCGGC[A>G]CAAAGAGCAAGCCGGTCTTGGCGCACAGCATTGTCAGTGTGGGCGCCACGTTCTGGCAGA-3'
Protein context (NP_065913.1, residues 49-69): MLCAKTGLLF[Val59Ala]PPAIDRRVVE